The following is an entry in ClinVar:

ClinVar aggregate classification (germline): Conflicting classifications of pathogenicity. Review status: criteria provided, conflicting classifications (1 of 4 stars). 4 submissions from 4 submitters: Uncertain significance (1); Likely benign (2). 1 of the submissions does not count toward it. Last evaluated 2026-02-10.

Conditions:
CDH23-related disorder. Also called: CDH23-related condition; CDH23-related disorders.
Usher syndrome type 1 (USH1). Also called: RETINITIS PIGMENTOSA AND CONGENITAL DEAFNESS. Identifiers: Orphanet 231169, Orphanet 886, MedGen C1568247, MONDO:0010168, OMIM 276900.

Allele frequency attached by ClinVar (database versions not stated): TOPMed below 0.00001; gnomAD exomes 0.00001 and 0.00002; ExAC 0.00002.
gnomAD v4.1: 9 of 1,613,850 alleles (0.00056%); highest among the groups gnomAD compares: South Asian, 0.0066%; no homozygotes.

Submissions (4):

PreventionGenetics, part of Exact Sciences
Classification: Likely benign for CDH23-related condition. Last evaluated: 2026-02-10. Review status: criteria provided, single submitter. Criteria: ACMG Guidelines, 2015. Collection method: clinical testing. Allele origin: germline.
Comment: This variant is classified as likely benign based on ACMG/AMP sequence variant interpretation guidelines (Richards et al. 2015 PMID: 25741868, with internal and published modifications).

Labcorp Genetics (formerly Invitae), Labcorp
Classification: Likely benign. Last evaluated: 2026-01-20. Review status: criteria provided, single submitter. Criteria: Invitae Variant Classification Sherloc (09022015). Collection method: clinical testing. Allele origin: germline.

GeneDx
Classification: Uncertain significance. Last evaluated: 2022-02-01. Review status: criteria provided, single submitter. Criteria: GeneDx Variant Classification Process June 2021. Collection method: clinical testing. Allele origin: germline. Affected: yes.
Comment: In silico analysis supports that this variant does not alter splicing; Has not been previously published as pathogenic or benign to our knowledge

Natera, Inc.
Classification: Likely benign for Usher syndrome type 1. Last evaluated: 2020-09-16. Review status: no assertion criteria provided. Collection method: clinical testing. Allele origin: germline. Not counted in ClinVar's aggregate classification.

NM_022124.6(CDH23):c.1317C>T (p.Asp439=)

Gene: CDH23 (cadherin related 23; plus strand). Cytogenetic location: 10q22.1.
Variant type: single nucleotide variant.
Coding change: c.1317C>T on transcript NM_022124.6 (MANE Select); coding-DNA position 1317, C replaced by T.
Protein change: p.Asp439=; no amino-acid change (aspartic acid 439 retained).
Molecular consequence: synonymous variant.
Genome position (GRCh38, 1-based): chr10:71,646,485, C>T. VCF-style: chr10-71646485-C-T. GRCh37 (hg19) VCF-style: chr10-73406242-C-T.
Other names: c.1317C>T, p.Asp439= (NM_001171930.2, NM_001171931.2, NM_052836.4).
Identifiers: ClinVar variation 796028 (VCV000796028.13), dbSNP rs748828988, ClinGen allele CA5543775.